The following is an entry in ClinVar:

NM_000057.4(BLM):c.2213C>G (p.Thr738Arg)

Gene: BLM (BLM RecQ like helicase; plus strand). Cytogenetic location: 15q26.1.
Variant type: single nucleotide variant.
Coding change: c.2213C>G on transcript NM_000057.4 (MANE Select); coding-DNA position 2213, C replaced by G.
Protein change: p.Thr738Arg; replaces threonine 738 with arginine.
Molecular consequence: missense variant.
Genome position (GRCh38, 1-based): chr15:90,766,929, C>G. VCF-style: chr15-90766929-C-G. GRCh37 (hg19) VCF-style: chr15-91310159-C-G.
Other names: c.2213C>G, p.Thr738Arg (NM_001287246.2, NM_001287247.2); c.1088C>G, p.Thr363Arg (NM_001287248.2); short protein forms T738R, T363R.
Identifiers: ClinVar variation 524803 (VCV000524803.8), dbSNP rs1474290499, ClinGen allele CA393844802.

ClinVar aggregate classification (germline): Uncertain significance. Review status: criteria provided, multiple submitters, no conflicts (2 of 4 stars). 2 submissions from 2 submitters: Uncertain significance (2). Last evaluated 2024-05-27.

Conditions:
Bloom syndrome (BLM). Also called: Bloom-Torre-Machacek syndrome. Identifiers: Orphanet 125, MedGen C0005859, MONDO:0008876, OMIM 210900.
Hereditary cancer-predisposing syndrome. Also called: Neoplastic Syndromes, Hereditary; Hereditary neoplastic syndrome; Tumor predisposition; Hereditary Cancer Syndrome. Identifiers: Orphanet 140162, MedGen C0027672, MeSH D009386, MONDO:0015356.

Allele frequency attached by ClinVar (database versions not stated): TOPMed below 0.00001; gnomAD 0.00001.
gnomAD v4.1: 1 of 1,598,254 alleles (0.000063%); highest among the groups gnomAD compares: Admixed American, 0.0017%; no homozygotes.

Submissions (2):

Labcorp Genetics (formerly Invitae), Labcorp
Classification: Uncertain significance for Bloom syndrome. Last evaluated: 2024-05-27. Review status: criteria provided, single submitter. Criteria: Invitae Variant Classification Sherloc (09022015). Collection method: clinical testing. Allele origin: germline.
Comment: This sequence change replaces threonine, which is neutral and polar, with arginine, which is basic and polar, at codon 738 of the BLM protein (p.Thr738Arg). This variant is not present in population databases (gnomAD no frequency). This variant has not been reported in the literature in individuals affected with BLM-related conditions. ClinVar contains an entry for this variant (Variation ID: 524803). Advanced modeling of protein sequence and biophysical properties (such as structural, functional, and spatial information, amino acid conservation, physicochemical variation, residue mobility, and thermodynamic stability) performed at Invitae indicates that this missense variant is expected to disrupt BLM protein function with a positive predictive value of 80%. In summary, the available evidence is currently insufficient to determine the role of this variant in disease. Therefore, it has been classified as a Variant of Uncertain Significance.

Ambry Genetics
Classification: Uncertain significance for Hereditary cancer-predisposing syndrome. Last evaluated: 2024-01-17. Review status: criteria provided, single submitter. Criteria: Ambry Variant Classification Scheme 2023. Collection method: clinical testing. Allele origin: germline.
Comment: The p.T738R variant (also known as c.2213C>G), located in coding exon 9 of the BLM gene, results from a C to G substitution at nucleotide position 2213. The threonine at codon 738 is replaced by arginine, an amino acid with similar properties. This amino acid position is conserved. In addition, the in silico prediction for this alteration is inconclusive. Since supporting evidence is limited at this time, the clinical significance of this alteration remains unclear.